The following is an entry in ClinVar:

NM_004409.5(DMPK):c.*224CTG[536]

Genes: DM1-AS (DM1 locus antisense RNA; plus strand), DMPK (DM1 protein kinase; minus strand), LOC107075317 (origin of replication in DMPK trinucleotide repeat region; plus strand), LOC109461477 (dystrophia myotonica protein kinase repeat instability region; plus strand). Cytogenetic location: 19q13.32.
Variant type: Microsatellite.
Coding change: c.*224CTG[536] on transcript NM_004409.5 (MANE Select); 536 copies in a row of the 3-base unit CTG starting at c.*224.
Molecular consequence: 3 prime UTR variant.
Genome position: GRCh38, VCF-style position (the base before the change): chr19:45,770,204. GRCh37 (hg19), VCF-style position (the base before the change): chr19:46,273,462.
Other names: DM1 CTG repeat expansion; c.*224CTG[536] (NM_001081560.3, NM_001288764.2, NM_001424165.1 and 1 more transcripts); c.*217CTG[536] (NM_001081562.3, NM_001288765.2, NM_001424162.1 and 2 more transcripts); c.*222_*224TGC[536] (NM_001081563.3); c.*369CTG[536] (NM_001424164.1, NM_001288766.2, NM_001424168.1).
Identifiers: ClinVar variation 187999 (VCV000187999.1), ClinGen allele CA915951822.

ClinVar aggregate classification (germline): Pathogenic (0 of 4 stars; one submission).

Conditions:
Steinert myotonic dystrophy syndrome (DM1). Also called: STEINERT DISEASE; Myotonic dystrophy type 1; Dystrophia myotonica type 1; Steinert myotonic dystrophy; Steinert's disease. Identifiers: Orphanet 273, MedGen C3250443, MONDO:0008056, OMIM 160900.

Submission:

Institute of Molecular, Cell and Systems Biology, University of Glasgow
Classification: Pathogenic for Steinert myotonic dystrophy syndrome. Review status: no assertion criteria provided. Criteria: research. Collection method: research. Allele origin: germline. Inheritance: Autosomal dominant inheritance. Affected: yes. Observed: 1 heterozygote.
Comment: DMPK CTG repeat expansions greater than approximately 45-50 repeats are assumed to be pathogenic

This record is based on data published in PubMed 25052313, which reports only ClinVar accessions SCV000120188 and SCV000120189. The complete data set includes SCV000207445 - SCV000207579.

Literature cited by the submitters: PubMed 1346923; PubMed 1546326; PubMed 25052313.